The following is an entry in ClinVar:

ClinVar aggregate classification (germline): Uncertain significance (1 of 4 stars; one submission).

Conditions:
Inborn genetic diseases. Identifiers: MedGen C0950123, MeSH D030342.

Allele frequency attached by ClinVar (database versions not stated): gnomAD exomes below 0.00001.
gnomAD v4.1: 2 of 1,600,338 alleles (0.00012%); highest among the groups gnomAD compares: Non-Finnish European, 0.00017%; no homozygotes.

Submission:

Ambry Genetics
Classification: Uncertain significance for Inborn genetic diseases. Last evaluated: 2017-11-02. Review status: criteria provided, single submitter. Criteria: Ambry Variant Classification Scheme 2023. Collection method: clinical testing. Allele origin: germline.
Comment: The p.S809Y variant (also known as c.2426C>A), located in coding exon 15 of the POGZ gene, results from a C to A substitution at nucleotide position 2426. The serine at codon 809 is replaced by tyrosine, an amino acid with dissimilar properties. This amino acid position is well conserved in available vertebrate species. In addition, this alteration is predicted to be tolerated by in silico analysis. Since supporting evidence is limited at this time, the clinical significance of this alteration remains unclear.

NM_015100.4(POGZ):c.2426C>A (p.Ser809Tyr)

Gene: POGZ (pogo transposable element derived with ZNF domain; minus strand). Cytogenetic location: 1q21.3.
Variant type: single nucleotide variant.
Coding change: c.2426C>A on transcript NM_015100.4 (MANE Select); coding-DNA position 2426, C replaced by A.
Protein change: p.Ser809Tyr; replaces serine 809 with tyrosine.
Molecular consequence: missense variant.
Genome position (GRCh38, 1-based): chr1:151,407,241, G>T on the plus strand (C>A on the coding strand, the complement: POGZ is on the minus strand). VCF-style: chr1-151407241-G-T. GRCh37 (hg19) VCF-style: chr1-151379717-G-T.
Other names: c.2399C>A, p.Ser800Tyr (NM_001194937.2); c.2240C>A, p.Ser747Tyr (NM_001194938.2); c.2447C>A, p.Ser816Tyr (NM_001410860.1); c.2141C>A, p.Ser714Tyr (NM_145796.4); c.2267C>A, p.Ser756Tyr (NM_207171.2); short protein forms S816Y, S800Y, S809Y, S714Y, S747Y, S756Y.
Identifiers: ClinVar variation 1791091 (VCV001791091.2), dbSNP rs1456577237, ClinGen allele CA341953958.